The following continues an entry in ClinVar:

NM_007294.4(BRCA1):c.2681_2682del (p.Lys894fs)

Gene: BRCA1. ClinVar aggregate classification (germline): Pathogenic. Pathogenic (1).

Submissions 10 to 21 of 31:

Color Diagnostics, LLC DBA Color Health
Classification: Pathogenic for Hereditary cancer-predisposing syndrome. Last evaluated: 2024-05-20. Review status: criteria provided, single submitter. Criteria: ACMG Guidelines, 2015. Collection method: clinical testing. Allele origin: germline. Not counted in ClinVar's aggregate classification.
Comment: This variant deletes 2 nucleotides in exon 10 of the BRCA1 gene, creating a frameshift and premature translation stop signal. This variant is expected to result in an absent or non-functional protein product. This variant has been reported in over ten individuals affected with breast or ovarian cancer (PMID: 7791869, 7894493, 16644204, 21324516, 25452441, 29422015, 33471991; Leiden Open Variation Database DB-ID BRCA1_001657), including observed co-segregation with breast and ovarian cancer in 8 members of one family across multiple generations (PMID: 7894493). This variant also has been reported in one individual each affected with peritoneal and colorectal cancer (PMID: 22006311, 26681312). This variant has been reported as a founder mutation in the individuals with Scottish ancestry (PMID: 10682686, 12698193). This variant has not been identified in the general population by the Genome Aggregation Database (gnomAD). Loss of BRCA1 function is a known mechanism of disease. Based on the available evidence, this variant is classified as Pathogenic.

Baylor Genetics
Classification: Pathogenic for Breast-ovarian cancer, familial, susceptibility to, 1. Last evaluated: 2024-03-29. Review status: criteria provided, single submitter. Criteria: ACMG Guidelines, 2015. Collection method: clinical testing. Allele origin: unknown. Not counted in ClinVar's aggregate classification.

Institute for Biomarker Research, Medical Diagnostic Laboratories, L.L.C.
Classification: Pathogenic for Hereditary breast ovarian cancer syndrome. Last evaluated: 2023-11-14. Review status: criteria provided, single submitter. Criteria: ACMG Guidelines, 2015. Collection method: clinical testing. Allele origin: germline. Not counted in ClinVar's aggregate classification.

Quest Diagnostics Nichols Institute San Juan Capistrano
Classification: Pathogenic. Last evaluated: 2023-09-21. Review status: criteria provided, single submitter. Criteria: Quest Diagnostics criteria. Collection method: clinical testing. Allele origin: unknown. Not counted in ClinVar's aggregate classification.
Comment: The BRCA1 c.2681_2682del (p.Lys894Thrfs*8) variant has been reported in the published literature in individuals affected with breast and/or ovarian cancer (PMIDs: 30322717 (2018)), 29422015 (2018), 26884819 (2016), 21324516 (2011), 23199084 (2010), 7894493 (1994)). It has been described as a founder mutation in the Scottish/Irish populations (PMIDs: 12698193 (2003) and 23199084 (2010)). The variant has also been reported in prostate cancer (PMID: 27456091 (2016)), peritoneal cancer (PMID: 22006311 (2011)), as well as in colorectal cancer (PMID: 26681312 (2015)). This variant has not been reported in large, multi-ethnic general populations (Genome Aggregation Database). Based on the available information, this variant is classified as pathogenic.

St. Jude Molecular Pathology, St. Jude Children's Research Hospital
Classification: Pathogenic for Breast-ovarian cancer, familial, susceptibility to, 1. Last evaluated: 2023-04-03. Review status: criteria provided, single submitter. Criteria: St. Jude Assertion Criteria 2020. Collection method: clinical testing. Allele origin: germline. Not counted in ClinVar's aggregate classification.
Comment: The BRCA1 c.2681_2682del (p.Lys894ThrfsTer8) change causes a frameshift and the creation of a premature stop codon. This change is predicted to cause protein truncation or absence of the protein due to nonsense mediated decay. This variant, which is also known as 2800delAA in published literature, has been reported in several individuals with HBOC-related cancers (PMID: 7894493, 27456091, 22006311, 21324516, 33758026, 34657373) and has also been reported as a Scottish founder mutation (PMID: 10682686). This variant is also absent in gnomAD v2.1.1. In summary, this variant meets criteria to be classified as pathogenic.

GeneDx
Classification: Pathogenic. Last evaluated: 2023-02-13. Review status: criteria provided, single submitter. Criteria: GeneDx Variant Classification Process June 2021. Collection method: clinical testing. Allele origin: germline. Affected: yes. Not counted in ClinVar's aggregate classification.
Comment: Frameshift variant predicted to result in protein truncation or nonsense mediated decay in a gene for which loss-of-function is a known mechanism of disease; Observed in individuals with personal or family history consistent with pathogenic variants in this gene (Friedman et al., 1994; Liede et al., 2000; Couch et al., 2015; Nguyen-Dumont et al., 2018; Frugtniet et al., 2022); Not observed at significant frequency in large population cohorts (gnomAD); Truncating variants in this gene are considered pathogenic by a well-established clinical consortium and/or database; Also known as 2800delAA; This variant is associated with the following publications: (PMID: 25452441, 26884819, 26681312, 27376475, 26848151, 27456091, 31970404, 34662886, 28888541, 10682686, 21324516, 7894493, 22006311, 23199084, 12698193, 25072261, 25782689, 17688236, 28918466, 25085752, 29435075, 29422015, 29339979, 26295337, 16644204, 23269703, 21702907, 30678073, 30322717, 31159747, 31263054, 33087929, 34657373, 32719484)

Sema4
Classification: Pathogenic for Hereditary cancer-predisposing syndrome. Last evaluated: 2021-09-13. Review status: criteria provided, single submitter. Criteria: Sema4 Curation Guidelines. Collection method: curation. Allele origin: germline. Not counted in ClinVar's aggregate classification.
Comment: The BRCA1 c.2681_2682delAA (p.K894TfsX8) variant has been reported in heterozygosity in >25 individuals with breast, ovarian, and/or prostate cancer (PMID: 7894493, 21324516, 27456091, 29446198, among others). It is also known as 2800delAA in the literature. This variant is a founder variant in the Scottish/European population (PMID: 12698193, 10682686) and is a well-established pathogenic variant associated with hereditary breast and ovarian cancer (PMID: 29446198, 10682686). The variant causes a frameshift at amino acid 894 that results in premature termination 8 amino acids downstream, which is predicted to undergo nonsense-mediated decay and result in loss of function. Loss of function variants in BRCA1 are known to be pathogenic (PMID: 29446198). This variant is not reported in the population database Genome Aggregation Database (PMID: 32461654), but has been reported in ClinVar (Variation ID: 17667). Based on the current evidence available, this variant is interpreted as pathogenic.

National Institute of Allergy and Infectious Diseases - Centralized Sequencing Program, National Institutes of Health
Classification: Pathogenic for Hereditary breast and ovarian cancer syndrome. Last evaluated: 2021-08-06. Review status: criteria provided, single submitter. Criteria: ACMG Guidelines, 2015. Collection method: clinical testing. Allele origin: germline. Affected: yes. Not counted in ClinVar's aggregate classification.

GeneKor MSA
Classification: Pathogenic for Breast-ovarian cancer, familial 1. Last evaluated: 2020-01-01. Review status: criteria provided, single submitter. Criteria: ACMG Guidelines, 2015. Collection method: clinical testing. Allele origin: germline. Affected: yes. Not counted in ClinVar's aggregate classification.
Comment: This sequence change deletes two bases from exon 10 of the BRCA1 mRNA (c.2681_2682delAA ) causing a frameshift after codon 894 and the creation of a premature translation stop signal 8 amino acid residues later p.(Lys894Thrfs). This is expected to result in an absent or disrupted protein product. Truncating variants in BRCA1 are known to be pathogenic.This variant has been described in the international literature in individuals undergoing panel testing for hereditary syndrome (PMID: 31159747). This mutation has been described in the mutation database ClinVar (Variation ID:17667) .

Division of Medical Genetics, University of Washington
Classification: Pathogenic for Breast-ovarian cancer, familial, susceptibility to, 1. Last evaluated: 2019-08-09. Review status: criteria provided, single submitter. Criteria: ACMG Guidelines, 2015. Collection method: clinical testing. Allele origin: germline. Affected: no. Study: CSER_CHARM. Not counted in ClinVar's aggregate classification.
Comment: This variant leads to a translational frameshift and the introduction of a premature termination codon 8 residues downstream. The variant transcript is predicted to be unstable and degraded by nonsense-mediated decay. Loss of expression of one allele of BRCA1 is a well-established mechanism of disease for hereditary breast and ovarian cancer. This variant has been reported in multiple individuals and families with breast and/or ovarian cancer, and is considered a European founder variant (Liede 2000, Scottish/Northern Irish BRCAI/BRCA2 Consortium 2003, Hondow 2011, Walsh 2011, Zhang 2011). Thus, this variant is interpreted as pathogenic.

Laboratory for Molecular Medicine, Mass General Brigham Personalized Medicine
Classification: Pathogenic for Hereditary breast ovarian cancer syndrome. Last evaluated: 2019-04-24. Review status: criteria provided, single submitter. Criteria: LMM Criteria. Collection method: clinical testing. Allele origin: germline. Inheritance: Autosomal dominant inheritance. Observed: 1 variant allele. Not counted in ClinVar's aggregate classification.
Comment: The p.Lys894ThrfsX8 variant in BRCA1 has been reported in >80 individuals with BRCA1-associated cancers (Friedman 1994, Walsh 2011, Wong-Brown 2016, Zhang 2011, Liede 2000, Breast Cancer Information Core (BIC) database), segregated with disease in >10 affected relatives, and was absent from large population studies. This variant is predicted to cause a frameshift, which alters the proteinâ€™s amino acid sequence beginning at position 894 and leads to a premature termination codon 8 amino acids downstream. This alteration is then predicted to lead to a truncated or absent protein. Heterozygous loss of function of the BRCA1 gene is an established disease mechanism in individuals with hereditary breast and ovarian cancer (HBOC). In addition, this variant was classified as Pathogenic on April 22, 2016 by the ClinGen-approved ENIGMA expert panel (ClinVar SCV000282287.1). In summary, the p.Lys894fs variant meets our criteria to be classified as pathogenic for HBOC in an autosomal dominant manner based upon the predicted impact to the protein. ACMG/AMP Criteria applied: PVS1, PS4, PP1_Strong, PM2.

Genetic Services Laboratory, University of Chicago
Classification: Pathogenic for {Breast-ovarian cancer, familial, 1}. Last evaluated: 2016-11-21. Review status: criteria provided, single submitter. Criteria: ACMG Guidelines, 2015. Collection method: clinical testing. Allele origin: germline. Affected: yes. Not counted in ClinVar's aggregate classification.